The following is an entry in ClinVar:

ClinVar aggregate classification (germline): Benign/Likely benign. Review status: criteria provided, multiple submitters, no conflicts (2 of 4 stars). 4 submissions from 4 submitters: Benign (1); Likely benign (2). 1 of the submissions does not count toward it. Last evaluated 2025-12-22.

Conditions:
GABBR2-related disorder. Also called: GABBR2-related disorders; GABBR2-related condition.
Epileptic encephalopathy. Identifiers: MedGen C0543888, HP:0200134.

Allele frequency attached by ClinVar (database versions not stated): gnomAD exomes 0.00005 and 0.00013; ExAC 0.00013; TOPMed 0.00022; gnomAD 0.00025 and 0.00026; ESP Exome Variant Server 0.00031; 1000 Genomes Project 0.00040; 1000 Genomes Project 30x 0.00047.
gnomAD v4.1: 113 of 1,612,866 alleles (0.007%); highest among the groups gnomAD compares: African/African-American, 0.085%; 1 homozygote.

Submissions (4):

Labcorp Genetics (formerly Invitae), Labcorp
Classification: Likely benign for Epileptic encephalopathy. Last evaluated: 2025-12-22. Review status: criteria provided, single submitter. Criteria: Invitae Variant Classification Sherloc (09022015). Collection method: clinical testing. Allele origin: germline.

Blueprint Genetics
Classification: Likely benign. Last evaluated: 2024-10-24. Review status: criteria provided, single submitter. Criteria: ACMG Guidelines, 2015. Collection method: clinical testing. Allele origin: germline.

GeneDx
Classification: Benign. Last evaluated: 2019-05-07. Review status: criteria provided, single submitter. Criteria: GeneDx Variant Classification Process June 2021. Collection method: clinical testing. Allele origin: germline. Affected: yes.

PreventionGenetics, part of Exact Sciences
Classification: Likely benign for GABBR2-related condition. Last evaluated: 2022-09-16. Review status: no assertion criteria provided. Collection method: clinical testing. Allele origin: germline. Not counted in ClinVar's aggregate classification.
Comment: This variant is classified as likely benign based on ACMG/AMP sequence variant interpretation guidelines (Richards et al. 2015 PMID: 25741868, with internal and published modifications).

NM_005458.8(GABBR2):c.1662C>T (p.Thr554=)

Gene: GABBR2 (gamma-aminobutyric acid type B receptor subunit 2; minus strand). Cytogenetic location: 9q22.33.
Variant type: single nucleotide variant.
Coding change: c.1662C>T on transcript NM_005458.8 (MANE Select); coding-DNA position 1662, C replaced by T.
Protein change: p.Thr554=; no amino-acid change (threonine 554 retained).
Molecular consequence: synonymous variant.
Genome position (GRCh38, 1-based): chr9:98,385,640, G>A on the plus strand (C>T on the coding strand, the complement: GABBR2 is on the minus strand). VCF-style: chr9-98385640-G-A. GRCh37 (hg19) VCF-style: chr9-101147922-G-A.
Identifiers: ClinVar variation 778949 (VCV000778949.16), dbSNP rs144905072, ClinGen allele CA5152677.
Genomic context (GRCh38, chr9:98,385,640, plus strand): 5'-GACTGAGGTCACCAAGGAAACTTTCTATCATATACCACTGGCTTATGCAGAATGACTTAC[G>A]GTGCAAAGTGTTTCAAAGGTCTTTTCAGAGACAAAGGATCCATCAAGGCCAAAGAGAAAT-3'
Protein context (NP_005449.5, residues 544-564): VSEKTFETLC[Thr554=]VRTWILTVGY